The following is an entry in ClinVar:

NM_001199753.2(CPT1C):c.1732-5C>T

Gene: CPT1C (carnitine palmitoyltransferase 1C; plus strand). Cytogenetic location: 19q13.33.
Variant type: single nucleotide variant.
Coding change: c.1732-5C>T on transcript NM_001199753.2 (MANE Select); 5 bases into the intron before coding-DNA position 1732, C replaced by T.
Molecular consequence: intron variant.
Genome position (GRCh38, 1-based): chr19:49,710,718, C>T. VCF-style: chr19-49710718-C-T. GRCh37 (hg19) VCF-style: chr19-50213975-C-T.
Other names: c.1699-5C>T (NM_001378485.1, NM_001136052.3); c.1732-5C>T (NM_001378483.1, NM_001199752.3, NM_152359.3 and 1 more transcripts); c.1731+234C>T (NM_001378486.1, NM_001378488.1); c.1798-5C>T (NM_001378482.1); c.1698+234C>T (NM_001378487.1).
Identifiers: ClinVar variation 2919718 (VCV002919718.3), dbSNP rs144241299, ClinGen allele CA309517691.

ClinVar aggregate classification (germline): Uncertain significance (1 of 4 stars; one submission).

Conditions:
Hereditary spastic paraplegia 73. Also called: Spastic paraplegia 73, autosomal dominant. Identifiers: Orphanet 444099, MedGen C5568981, MONDO:0014568, OMIM 616282.

Allele frequency attached by ClinVar (database versions not stated): gnomAD exomes 0.00001; TOPMed 0.00003; gnomAD 0.00004; ESP Exome Variant Server 0.00008; 1000 Genomes Project 30x 0.00016; 1000 Genomes Project 0.00020.
gnomAD v4.1: 9 of 1,611,038 alleles (0.00056%); highest among the groups gnomAD compares: African/African-American, 0.008%; no homozygotes.

Submission:

Labcorp Genetics (formerly Invitae), Labcorp
Classification: Uncertain significance for Hereditary spastic paraplegia 73. Last evaluated: 2023-06-22. Review status: criteria provided, single submitter. Criteria: Invitae Variant Classification Sherloc (09022015). Collection method: clinical testing. Allele origin: germline.
Comment: In summary, the available evidence is currently insufficient to determine the role of this variant in disease. Therefore, it has been classified as a Variant of Uncertain Significance. Algorithms developed to predict the effect of sequence changes on RNA splicing suggest that this variant may disrupt the consensus splice site. This variant has not been reported in the literature in individuals affected with CPT1C-related conditions. This variant is present in population databases (rs144241299, gnomAD 0.008%). This sequence change falls in intron 15 of the CPT1C gene. It does not directly change the encoded amino acid sequence of the CPT1C protein.